The following is an entry in ClinVar:

NM_012235.4(SCAP):c.2250C>T (p.Arg750=)

Gene: SCAP (SREBF chaperone; minus strand). Cytogenetic location: 3p21.31.
Variant type: single nucleotide variant.
Coding change: c.2250C>T on transcript NM_012235.4 (MANE Select); coding-DNA position 2250, C replaced by T.
Protein change: p.Arg750=; no amino-acid change (arginine 750 retained).
Molecular consequence: synonymous variant.
Genome position (GRCh38, 1-based): chr3:47,418,402, G>A on the plus strand (C>T on the coding strand, the complement: SCAP is on the minus strand). VCF-style: chr3-47418402-G-A. GRCh37 (hg19) VCF-style: chr3-47459892-G-A.
Other names: c.1485C>T, p.Arg495= (NM_001320044.2).
Identifiers: ClinVar variation 2653762 (VCV002653762.24), dbSNP rs149033051, ClinGen allele CA2367294.
Genomic context (GRCh38, chr3:47,418,402, plus strand): 5'-AAGCGGCACGATCTCCGTCTCGGGTGGCGCATAGCCGTAGTCGTCGCAGGGCAGCTCCCC[G>A]CGCCTCCGCCGCCCGGGCCCACCACCCAGCTGCCCGTAGTTGCGCGGGCATAGCACGCGG-3'
Protein context (NP_036367.2, residues 740-760): QLGGGPGRRR[Arg750=]GELPCDDYGY

ClinVar aggregate classification (germline): Likely benign (1 of 4 stars; one submission).

Allele frequency attached by ClinVar (database versions not stated): 1000 Genomes Project 0.00220; 1000 Genomes Project 30x 0.00234; gnomAD 0.00380; TOPMed 0.00387; ESP Exome Variant Server 0.00395; gnomAD exomes 0.00462; ExAC 0.00823.
gnomAD v4.1: 7,125 of 1,575,948 alleles (0.45%); highest among the groups gnomAD compares: Middle Eastern, 0.55%; 27 homozygotes.

Submission:

CeGaT Center for Human Genetics Tuebingen
Classification: Likely benign. Last evaluated: 2025-02-01. Review status: criteria provided, single submitter. Criteria: CeGaT Center For Human Genetics Tuebingen Variant Classification Criteria Version 2. Collection method: clinical testing. Allele origin: germline. Affected: yes. Observed: 2 variant alleles.
Comment: SCAP: BP4, BP7, BS2